The following is an entry in ClinVar:

ClinVar aggregate classification (germline): Uncertain significance (1 of 4 stars; one submission).

Conditions:
Emery-Dreifuss muscular dystrophy 4, autosomal dominant (EDMD4). Also called: EMERY-DREIFUSS MUSCULAR DYSTROPHY 4 WITH VARIABLE FEATURES. Identifiers: Orphanet 261, MedGen C2751807, MONDO:0013071, OMIM 612998.
Autosomal recessive ataxia, Beauce type. Also called: Spinocerebellar ataxia, autosomal recessive 8; ATAXIA, RECESSIVE, OF BEAUCE; SYNE1-Related Autosomal Recessive Cerebellar Ataxia; SYNE1 Deficiency. Identifiers: Orphanet 88644, MedGen C1853116, MONDO:0012549, OMIM 610743.

Allele frequency attached by ClinVar (database versions not stated): gnomAD exomes 0.00001; TOPMed 0.00001.
gnomAD v4.1: 4 of 1,614,092 alleles (0.00025%); highest among the groups gnomAD compares: Non-Finnish European, 0.00034%; no homozygotes.

Submission:

Labcorp Genetics (formerly Invitae), Labcorp
Classification: Uncertain significance for Emery-Dreifuss muscular dystrophy 4, autosomal dominant; Autosomal recessive ataxia, Beauce type. Last evaluated: 2022-07-09. Review status: criteria provided, single submitter. Criteria: Invitae Variant Classification Sherloc (09022015). Collection method: clinical testing. Allele origin: germline.
Comment: This sequence change replaces isoleucine, which is neutral and non-polar, with threonine, which is neutral and polar, at codon 7802 of the SYNE1 protein (p.Ile7802Thr). This variant is not present in population databases (gnomAD no frequency). This variant has not been reported in the literature in individuals affected with SYNE1-related conditions. ClinVar contains an entry for this variant (Variation ID: 842622). Algorithms developed to predict the effect of missense changes on protein structure and function output the following: SIFT: "Deleterious"; PolyPhen-2: "Benign"; Align-GVGD: "Class C0". The threonine amino acid residue is found in multiple mammalian species, which suggests that this missense change does not adversely affect protein function. In summary, the available evidence is currently insufficient to determine the role of this variant in disease. Therefore, it has been classified as a Variant of Uncertain Significance.

NM_182961.4(SYNE1):c.23618T>C (p.Ile7873Thr)

Gene: SYNE1 (spectrin repeat containing nuclear envelope protein 1; minus strand). Cytogenetic location: 6q25.2.
Variant type: single nucleotide variant.
Coding change: c.23618T>C on transcript NM_182961.4 (MANE Select); coding-DNA position 23618, T replaced by C.
Protein change: p.Ile7873Thr; replaces isoleucine 7873 with threonine.
Molecular consequence: missense variant.
Genome position (GRCh38, 1-based): chr6:152,176,403, A>G on the plus strand (T>C on the coding strand, the complement: SYNE1 is on the minus strand). VCF-style: chr6-152176403-A-G. GRCh37 (hg19) VCF-style: chr6-152497538-A-G.
Other names: c.224T>C, p.Ile75Thr (NM_001347701.2); c.23405T>C, p.Ile7802Thr (NM_033071.5); short protein forms I7873T, I75T, I7802T.
Identifiers: ClinVar variation 842622 (VCV000842622.7), dbSNP rs1331488136, ClinGen allele CA366090116.